The following is an entry in ClinVar:

ClinVar aggregate classification (germline): Uncertain significance (1 of 4 stars; one submission).

Conditions:
Hereditary cancer-predisposing syndrome. Also called: Tumor predisposition; Hereditary Cancer Syndrome; Hereditary neoplastic syndrome; Neoplastic Syndromes, Hereditary. Identifiers: Orphanet 140162, MedGen C0027672, MeSH D009386, MONDO:0015356.

Submission:

Ambry Genetics
Classification: Uncertain significance for Hereditary cancer-predisposing syndrome. Last evaluated: 2024-01-05. Review status: criteria provided, single submitter. Criteria: Ambry Variant Classification Scheme 2023. Collection method: clinical testing. Allele origin: germline.
Comment: The p.Q2002E variant (also known as c.6004C>G), located in coding exon 39 of the ATM gene, results from a C to G substitution at nucleotide position 6004. The glutamine at codon 2002 is replaced by glutamic acid, an amino acid with highly similar properties. This amino acid position is highly conserved in available vertebrate species. In addition, the in silico prediction for this alteration is inconclusive. Since supporting evidence is limited at this time, the clinical significance of this alteration remains unclear.

NM_000051.4(ATM):c.6004C>G (p.Gln2002Glu)

Genes: ATM (ATM serine/threonine kinase; plus strand), C11orf65 (chromosome 11 open reading frame 65; minus strand). Cytogenetic location: 11q22.3.
Variant type: single nucleotide variant.
Coding change: c.6004C>G on transcript NM_000051.4 (MANE Select); coding-DNA position 6004, C replaced by G.
Protein change: p.Gln2002Glu; replaces glutamine 2002 with glutamic acid.
Molecular consequence: missense variant. On other transcripts: intron variant (2).
Genome position (GRCh38, 1-based): chr11:108,312,496, C>G. VCF-style: chr11-108312496-C-G. GRCh37 (hg19) VCF-style: chr11-108183223-C-G.
Other names: c.6004C>G, p.Gln2002Glu (NM_001351834.2); c.641-3425G>C (NM_001330368.2); c.*39-3425G>C (NM_001351110.2); short protein forms Q2002E.
Identifiers: ClinVar variation 3222112 (VCV003222112.1), dbSNP rs201136510, ClinGen allele CA382548813.